The following is an entry in ClinVar:

ClinVar aggregate classification (germline): Uncertain significance (1 of 4 stars; one submission).

Conditions:
Cardiovascular phenotype. Identifiers: MedGen CN230736.

Submission:

Ambry Genetics
Classification: Uncertain significance for Cardiovascular phenotype. Last evaluated: 2023-03-03. Review status: criteria provided, single submitter. Criteria: Ambry Variant Classification Scheme 2023. Collection method: clinical testing. Allele origin: germline.
Comment: The p.V2849F variant (also known as c.8545G>T), located in coding exon 2 of the ZNF469 gene, results from a G to T substitution at nucleotide position 8545. The valine at codon 2849 is replaced by phenylalanine, an amino acid with highly similar properties. This amino acid position is conserved. In addition, the in silico prediction for this alteration is inconclusive. Since supporting evidence is limited at this time, the clinical significance of this alteration remains unclear.

NM_001367624.2(ZNF469):c.8629G>T (p.Val2877Phe)

Gene: ZNF469 (zinc finger protein 469; plus strand). Cytogenetic location: 16q24.2.
Variant type: single nucleotide variant.
Coding change: c.8629G>T on transcript NM_001367624.2 (MANE Select); coding-DNA position 8629, G replaced by T.
Protein change: p.Val2877Phe; replaces valine 2877 with phenylalanine.
Molecular consequence: missense variant.
Genome position (GRCh38, 1-based): chr16:88,436,099, G>T. VCF-style: chr16-88436099-G-T. GRCh37 (hg19) VCF-style: chr16-88502507-G-T.
Other names: NM_001127464.1:c.8545G>T; short protein forms V2877F.
Identifiers: ClinVar variation 2449528 (VCV002449528.2), dbSNP rs2507600336, ClinGen allele CA397118905.